The following is an entry in ClinVar:

NM_003072.5(SMARCA4):c.2395C>T (p.His799Tyr)

Gene: SMARCA4 (SWI/SNF related BAF chromatin remodeling complex subunit ATPase 4; plus strand). Cytogenetic location: 19p13.2.
Variant type: single nucleotide variant.
Coding change: c.2395C>T on transcript NM_003072.5 (MANE Select); coding-DNA position 2395, C replaced by T.
Protein change: p.His799Tyr; replaces histidine 799 with tyrosine.
Molecular consequence: missense variant. On other transcripts: non-coding transcript variant (1).
Genome position (GRCh38, 1-based): chr19:11,013,069, C>T. VCF-style: chr19-11013069-C-T. GRCh37 (hg19) VCF-style: chr19-11123745-C-T.
Other names: c.2395C>T, p.His799Tyr (NM_001128844.3, NM_001128845.2, NM_001128846.2 and 6 more transcripts); short protein forms H799Y.
Identifiers: ClinVar variation 3798922 (VCV003798922.1).

ClinVar aggregate classification (germline): Uncertain significance (1 of 4 stars; one submission).

Conditions:
Hereditary cancer-predisposing syndrome. Also called: Neoplastic Syndromes, Hereditary; Hereditary Cancer Syndrome; Tumor predisposition; Hereditary neoplastic syndrome. Identifiers: Orphanet 140162, MedGen C0027672, MeSH D009386, MONDO:0015356.

Submission:

Ambry Genetics
Classification: Uncertain significance for Hereditary cancer-predisposing syndrome. Last evaluated: 2025-02-21. Review status: criteria provided, single submitter. Criteria: Ambry Variant Classification Scheme 2023. Collection method: clinical testing. Allele origin: germline.
Comment: The p.H799Y variant (also known as c.2395C>T), located in coding exon 15 of the SMARCA4 gene, results from a C to T substitution at nucleotide position 2395. The histidine at codon 799 is replaced by tyrosine, an amino acid with similar properties. This amino acid position is conserved. In addition, the in silico prediction for this alteration is inconclusive. Based on the available evidence, the clinical significance of this variant remains unclear.